The following is an entry in ClinVar:

NM_024675.4(PALB2):c.2678A>T (p.Asp893Val)

Gene: PALB2 (partner and localizer of BRCA2; minus strand). Cytogenetic location: 16p12.2.
Variant type: single nucleotide variant.
Coding change: c.2678A>T on transcript NM_024675.4 (MANE Select); coding-DNA position 2678, A replaced by T.
Protein change: p.Asp893Val; replaces aspartic acid 893 with valine.
Molecular consequence: missense variant.
Genome position (GRCh38, 1-based): chr16:23,626,306, T>A on the plus strand (A>T on the coding strand, the complement: PALB2 is on the minus strand). VCF-style: chr16-23626306-T-A. GRCh37 (hg19) VCF-style: chr16-23637627-T-A.
Other names: short protein forms D893V.
Identifiers: ClinVar variation 619887 (VCV000619887.12), dbSNP rs1060502783, ClinGen allele CA395122018.

ClinVar aggregate classification (germline): Uncertain significance. Review status: criteria provided, multiple submitters, no conflicts (2 of 4 stars). 4 submissions from 4 submitters: Uncertain significance (3). 1 of the submissions does not count toward it. Last evaluated 2025-08-31.

Conditions:
Hereditary cancer-predisposing syndrome. Also called: Tumor predisposition; Hereditary Cancer Syndrome; Neoplastic Syndromes, Hereditary; Hereditary neoplastic syndrome. Identifiers: Orphanet 140162, MedGen C0027672, MeSH D009386, MONDO:0015356.
Familial cancer of breast. Also called: BREAST CANCER, FAMILIAL; Hereditary breast cancer; hereditary breast carcinoma. Identifiers: Orphanet 227535, MedGen C0346153, MONDO:0016419, OMIM 114480. Disease mechanism: loss of function.

Allele frequency attached by ClinVar (database versions not stated): gnomAD exomes below 0.00001.

Submissions (4):

Labcorp Genetics (formerly Invitae), Labcorp
Classification: Uncertain significance for Familial cancer of breast. Last evaluated: 2025-08-31. Review status: criteria provided, single submitter. Criteria: Invitae Variant Classification Sherloc (09022015). Collection method: clinical testing. Allele origin: germline.
Comment: This sequence change replaces aspartic acid, which is acidic and polar, with valine, which is neutral and non-polar, at codon 893 of the PALB2 protein (p.Asp893Val). This variant is not present in population databases (gnomAD no frequency). This variant has not been reported in the literature in individuals affected with PALB2-related conditions. ClinVar contains an entry for this variant (Variation ID: 619887). Invitae Evidence Modeling of protein sequence and biophysical properties (such as structural, functional, and spatial information, amino acid conservation, physicochemical variation, residue mobility, and thermodynamic stability) indicates that this missense variant is not expected to disrupt PALB2 protein function with a negative predictive value of 80%. Algorithms developed to predict the effect of sequence changes on RNA splicing suggest that this variant may disrupt the consensus splice site. In summary, the available evidence is currently insufficient to determine the role of this variant in disease. Therefore, it has been classified as a Variant of Uncertain Significance.

Ambry Genetics
Classification: Uncertain significance for Hereditary cancer-predisposing syndrome. Last evaluated: 2025-08-20. Review status: criteria provided, single submitter. Criteria: Ambry Variant Classification Scheme 2023. Collection method: clinical testing. Allele origin: germline.
Comment: The p.D893V variant (also known as c.2678A>T), located in coding exon 7 of the PALB2 gene, results from an A to T substitution at nucleotide position 2678. The aspartic acid at codon 893 is replaced by valine, an amino acid with highly dissimilar properties. This amino acid position is poorly conserved in available vertebrate species. In addition, this alteration is predicted to be tolerated by in silico analysis. Since supporting evidence is limited at this time, the clinical significance of this alteration remains unclear.

Quest Diagnostics Nichols Institute San Juan Capistrano
Classification: Uncertain significance. Last evaluated: 2018-03-14. Review status: criteria provided, single submitter. Criteria: Quest Diagnostics criteria. Collection method: clinical testing. Allele origin: germline.

Leiden Open Variation Database
Classification: Uncertain significance. Last evaluated: 2019-05-13. Review status: no assertion criteria provided. Collection method: curation. Allele origin: germline. Affected: yes. Not counted in ClinVar's aggregate classification.
Comment: Curators: Marc Tischkowitz, Arleen D. Auerbach. Submitter to LOVD: IMGAG.